The following is an entry in ClinVar:

NM_001014987.2(LAT):c.292C>T (p.Arg98Trp)

Gene: LAT (linker for activation of T cells; plus strand). Cytogenetic location: 16p11.2.
Variant type: single nucleotide variant.
Coding change: c.292C>T on transcript NM_001014987.2 (MANE Select); coding-DNA position 292, C replaced by T.
Protein change: p.Arg98Trp; replaces arginine 98 with tryptophan.
Molecular consequence: missense variant.
Genome position (GRCh38, 1-based): chr16:28,986,428, C>T. VCF-style: chr16-28986428-C-T. GRCh37 (hg19) VCF-style: chr16-28997749-C-T.
Other names: c.289C>T, p.Arg97Trp (NM_001014988.2); c.400C>T, p.Arg134Trp (NM_001014989.2); c.292C>T, p.Arg98Trp (NM_014387.4); short protein forms R134W, R97W, R98W.
Identifiers: ClinVar variation 1986481 (VCV001986481.4), dbSNP rs756908098, ClinGen allele CA7989927.

ClinVar aggregate classification (germline): Uncertain significance. Review status: criteria provided, multiple submitters, no conflicts (2 of 4 stars). 2 submissions from 2 submitters: Uncertain significance (2). Last evaluated 2022-05-25.

Allele frequency attached by ClinVar (database versions not stated): gnomAD 0.00002; gnomAD exomes 0.00002; TOPMed 0.00002; ExAC 0.00003.

Submissions (2):

Blueprint Genetics
Classification: Uncertain significance. Last evaluated: 2022-05-25. Review status: criteria provided, single submitter. Criteria: ACMG Guidelines, 2015. Collection method: clinical testing. Allele origin: germline.

Labcorp Genetics (formerly Invitae), Labcorp
Classification: Uncertain significance. Last evaluated: 2022-05-15. Review status: criteria provided, single submitter. Criteria: Invitae Variant Classification Sherloc (09022015). Collection method: clinical testing. Allele origin: germline.
Comment: Algorithms developed to predict the effect of missense changes on protein structure and function (SIFT, PolyPhen-2, Align-GVGD) all suggest that this variant is likely to be disruptive. In summary, the available evidence is currently insufficient to determine the role of this variant in disease. Therefore, it has been classified as a Variant of Uncertain Significance. This variant has not been reported in the literature in individuals affected with LAT-related conditions. This variant is present in population databases (rs756908098, gnomAD 0.006%). This sequence change replaces arginine, which is basic and polar, with tryptophan, which is neutral and slightly polar, at codon 98 of the LAT protein (p.Arg98Trp).